The following is an entry in ClinVar:

ClinVar aggregate classification (germline): Pathogenic (1 of 4 stars; one submission).

Conditions:
Nemaline myopathy 2 (NEM2). Also called: Nemaline myopathy 2, autosomal recessive. Identifiers: MedGen C1850569, MONDO:0009725, OMIM 256030.

Submission:

Labcorp Genetics (formerly Invitae), Labcorp
Classification: Pathogenic for Nemaline myopathy 2. Last evaluated: 2023-11-02. Review status: criteria provided, single submitter. Criteria: Invitae Variant Classification Sherloc (09022015). Collection method: clinical testing. Allele origin: germline.
Comment: This sequence change creates a premature translational stop signal (p.Gln249*) in the NEB gene. It is expected to result in an absent or disrupted protein product. Loss-of-function variants in NEB are known to be pathogenic (PMID: 25205138). This variant is not present in population databases (gnomAD no frequency). This variant has not been reported in the literature in individuals affected with NEB-related conditions. For these reasons, this variant has been classified as Pathogenic.

Literature cited by the submitters: PubMed 25205138.

NM_001164508.2(NEB):c.745C>T (p.Gln249Ter)

Gene: NEB (nebulin; minus strand). Cytogenetic location: 2q23.3.
Variant type: single nucleotide variant.
Coding change: c.745C>T on transcript NM_001164508.2 (MANE Select); coding-DNA position 745, C replaced by T.
Protein change: p.Gln249Ter; replaces glutamine 249 with a stop codon.
Molecular consequence: nonsense.
Genome position (GRCh38, 1-based): chr2:151,717,493, G>A on the plus strand (C>T on the coding strand, the complement: NEB is on the minus strand). VCF-style: chr2-151717493-G-A. GRCh37 (hg19) VCF-style: chr2-152574007-G-A.
Other names: c.745C>T, p.Gln249Ter (NM_001164507.2, NM_001271208.2, NM_004543.5); short protein forms Q249*.
Identifiers: ClinVar variation 2763331 (VCV002763331.3), dbSNP rs774834421, ClinGen allele CA348789013.